The following is an entry in ClinVar:

NM_023110.3(FGFR1):c.1799T>C (p.Leu600Pro)

Gene: FGFR1 (fibroblast growth factor receptor 1; minus strand). Cytogenetic location: 8p11.23.
Variant type: single nucleotide variant.
Coding change: c.1799T>C on transcript NM_023110.3 (MANE Select); coding-DNA position 1799, T replaced by C.
Protein change: p.Leu600Pro; replaces leucine 600 with proline.
Molecular consequence: missense variant.
Genome position (GRCh38, 1-based): chr8:38,415,925, A>G on the plus strand (T>C on the coding strand, the complement: FGFR1 is on the minus strand). VCF-style: chr8-38415925-A-G. GRCh37 (hg19) VCF-style: chr8-38273443-A-G.
Other names: c.1793T>C, p.Leu598Pro (NM_001174063.2, NM_001174065.2, NM_001354367.2 and 1 more transcripts); c.1769T>C, p.Leu590Pro (NM_001174064.2); c.1532T>C, p.Leu511Pro (NM_001174066.2, NM_023105.3); c.1892T>C, p.Leu631Pro (NM_001174067.2); c.1520T>C, p.Leu507Pro (NM_001354368.2); c.1787T>C, p.Leu596Pro (NM_001354369.2, NM_001410922.1); c.1526T>C, p.Leu509Pro (NM_001354370.2, NM_023106.3); short protein forms L507P, L598P, L509P, L590P, L631P, L511P, L596P, L600P.
Identifiers: ClinVar variation 4794212 (VCV004794212.1).

ClinVar aggregate classification (germline): Uncertain significance (1 of 4 stars; one submission).

Conditions:
Pfeiffer syndrome (ACS5). Also called: ACS V. Identifiers: Orphanet 710, MedGen C0220658, MONDO:0007043, OMIM 101600.
Hypogonadotropic hypogonadism 2 with or without anosmia (HH2). Also called: FGFR1-Related GnRH Deficiency (Kallmann Syndrome 2); HYPOGONADOTROPIC HYPOGONADISM 2 WITHOUT ANOSMIA; HYPOGONADOTROPIC HYPOGONADISM 2 WITH OR WITHOUT ANOSMIA, SUSCEPTIBILITY TO; HYPOGONADOTROPIC HYPOGONADISM 2 WITHOUT ANOSMIA, SUSCEPTIBILITY TO. Identifiers: Orphanet 478, MedGen C1563720, MONDO:0007844, OMIM 147950. Disease mechanism: loss of function.

Submission:

Labcorp Genetics (formerly Invitae), Labcorp
Classification: Uncertain significance for Pfeiffer syndrome; Hypogonadotropic hypogonadism 2 with or without anosmia. Last evaluated: 2025-04-10. Review status: criteria provided, single submitter. Criteria: Invitae Variant Classification Sherloc (09022015). Collection method: clinical testing. Allele origin: germline.
Comment: This sequence change replaces leucine, which is neutral and non-polar, with proline, which is neutral and non-polar, at codon 600 of the FGFR1 protein (p.Leu600Pro). This variant is not present in population databases (gnomAD no frequency). This variant has not been reported in the literature in individuals affected with FGFR1-related conditions. Invitae Evidence Modeling of protein sequence and biophysical properties (such as structural, functional, and spatial information, amino acid conservation, physicochemical variation, residue mobility, and thermodynamic stability) indicates that this missense variant is expected to disrupt FGFR1 protein function with a positive predictive value of 80%. In summary, the available evidence is currently insufficient to determine the role of this variant in disease. Therefore, it has been classified as a Variant of Uncertain Significance.